The following is an entry in ClinVar:

NM_198525.3(KIF7):c.1789-2A>G

Gene: KIF7 (kinesin family member 7; minus strand). Cytogenetic location: 15q26.1.
Variant type: single nucleotide variant.
Coding change: c.1789-2A>G on transcript NM_198525.3 (MANE Select); the canonical splice acceptor site of the intron before coding-DNA position 1789, A replaced by G.
Molecular consequence: splice acceptor variant.
Genome position (GRCh38, 1-based): chr15:89,646,028, T>C on the plus strand (A>G on the coding strand, the complement: KIF7 is on the minus strand). VCF-style: chr15-89646028-T-C. GRCh37 (hg19) VCF-style: chr15-90189259-T-C.
Identifiers: ClinVar variation 2048811 (VCV002048811.5), dbSNP rs989653101, ClinGen allele CA274581460.

ClinVar aggregate classification (germline): Likely pathogenic. Review status: criteria provided, multiple submitters, no conflicts (2 of 4 stars). 2 submissions from 2 submitters: Likely pathogenic (2). Last evaluated 2024-10-25.

Conditions:
Acrocallosal syndrome (ACLS). Also called: HALLUX DUPLICATION, POSTAXIAL POLYDACTYLY, AND ABSENCE OF CORPUS CALLOSUM; Schinzel syndrome 1; Absence of corpus callosum with unusual facial appearance, mental deficiency, duplication of the halluces and polydactyly. Identifiers: Orphanet 36, MedGen C0796147, MONDO:0008708, OMIM 200990.
Multiple epiphyseal dysplasia, Al-Gazali type. Also called: Macrocephaly with multiple epiphyseal dysplasia and distinctive facies. Identifiers: Orphanet 166024, MedGen C1846722, MONDO:0011778, OMIM 607131.
Hydrolethalus syndrome 2 (HLS2). Identifiers: Orphanet 2189, MedGen C3279899, MONDO:0013585, OMIM 614120.

Allele frequency attached by ClinVar (database versions not stated): gnomAD exomes below 0.00001; TOPMed below 0.00001; gnomAD 0.00002.
gnomAD v4.1: 8 of 1,613,648 alleles (0.0005%); highest among the groups gnomAD compares: Admixed American, 0.01%; no homozygotes.

Submissions (2):

Labcorp Genetics (formerly Invitae), Labcorp
Classification: Likely pathogenic for Acrocallosal syndrome. Last evaluated: 2024-10-25. Review status: criteria provided, single submitter. Criteria: Invitae Variant Classification Sherloc (09022015). Collection method: clinical testing. Allele origin: germline.
Comment: This sequence change affects an acceptor splice site in intron 7 of the KIF7 gene. It is expected to disrupt RNA splicing. Variants that disrupt the donor or acceptor splice site typically lead to a loss of protein function (PMID: 16199547), and loss-of-function variants in KIF7 are known to be pathogenic (PMID: 19666503, 21552264, 21633164, 26648833). This variant is not present in population databases (gnomAD no frequency). This variant has not been reported in the literature in individuals affected with KIF7-related conditions. ClinVar contains an entry for this variant (Variation ID: 2048811). Algorithms developed to predict the effect of sequence changes on RNA splicing suggest that this variant may disrupt the consensus splice site. In summary, the currently available evidence indicates that the variant is pathogenic, but additional data are needed to prove that conclusively. Therefore, this variant has been classified as Likely Pathogenic.

Fulgent Genetics
Classification: Likely pathogenic for Acrocallosal syndrome; Multiple epiphyseal dysplasia, Al-Gazali type; Hydrolethalus syndrome 2. Last evaluated: 2024-05-07. Review status: criteria provided, single submitter. Criteria: ACMG Guidelines, 2015. Collection method: clinical testing. Allele origin: germline.

Literature cited by the submitters: PubMed 16199547 (cited by Labcorp Genetics (formerly Invitae), Labcorp); PubMed 19666503 (cited by Labcorp Genetics (formerly Invitae), Labcorp); PubMed 21552264 (cited by Labcorp Genetics (formerly Invitae), Labcorp); PubMed 21633164 (cited by Labcorp Genetics (formerly Invitae), Labcorp); PubMed 26648833 (cited by Labcorp Genetics (formerly Invitae), Labcorp).